The following is an entry in ClinVar:

NM_000051.4(ATM):c.5940A>G (p.Gly1980=)

Genes: ATM (ATM serine/threonine kinase; plus strand), C11orf65 (chromosome 11 open reading frame 65; minus strand). Cytogenetic location: 11q22.3.
Variant type: single nucleotide variant.
Coding change: c.5940A>G on transcript NM_000051.4 (MANE Select); coding-DNA position 5940, A replaced by G.
Protein change: p.Gly1980=; no amino-acid change (glycine 1980 retained).
Molecular consequence: synonymous variant. On other transcripts: intron variant (2).
Genome position (GRCh38, 1-based): chr11:108,312,432, A>G. VCF-style: chr11-108312432-A-G. GRCh37 (hg19) VCF-style: chr11-108183159-A-G.
Other names: c.5940A>G, p.Gly1980= (NM_001351834.2); c.641-3361T>C (NM_001330368.2); c.*39-3361T>C (NM_001351110.2).
Identifiers: ClinVar variation 1750624 (VCV001750624.3), dbSNP rs2547052616, ClinGen allele CA476675534.

ClinVar aggregate classification (germline): Benign/Likely benign. Review status: criteria provided, multiple submitters, no conflicts (2 of 4 stars). 2 submissions from 2 submitters: Benign (1); Likely benign (1). Last evaluated 2024-05-28.

Conditions:
Familial cancer of breast. Also called: Hereditary breast cancer; hereditary breast carcinoma; BREAST CANCER, FAMILIAL. Identifiers: Orphanet 227535, MedGen C0346153, MONDO:0016419, OMIM 114480. Disease mechanism: loss of function.
Hereditary cancer-predisposing syndrome. Also called: Hereditary neoplastic syndrome; Neoplastic Syndromes, Hereditary; Tumor predisposition; Hereditary Cancer Syndrome. Identifiers: Orphanet 140162, MedGen C0027672, MeSH D009386, MONDO:0015356.

Submissions (2):

Myriad Genetics, Inc.
Classification: Benign for Familial cancer of breast. Last evaluated: 2024-05-28. Review status: criteria provided, single submitter. Criteria: Myriad Autosomal Dominant, Autosomal Recessive and X-Linked Classification Criteria (2023). Collection method: clinical testing. Allele origin: unknown.
Comment: This variant is considered benign. This variant is a silent/synonymous amino acid change and it is not expected to impact splicing.

Ambry Genetics
Classification: Likely benign for Hereditary cancer-predisposing syndrome. Last evaluated: 2021-10-02. Review status: criteria provided, single submitter. Criteria: Ambry Variant Classification Scheme 2023. Collection method: clinical testing. Allele origin: germline.